The following is an entry in ClinVar:

NM_001371928.1(AHDC1):c.4053G>A (p.Pro1351=)

Gene: AHDC1 (AT-hook DNA binding motif containing 1; minus strand). Cytogenetic location: 1p36.11.
Variant type: single nucleotide variant.
Coding change: c.4053G>A on transcript NM_001371928.1 (MANE Select); coding-DNA position 4053, G replaced by A.
Protein change: p.Pro1351=; no amino-acid change (proline 1351 retained).
Molecular consequence: synonymous variant.
Genome position (GRCh38, 1-based): chr1:27,548,063, C>T on the plus strand (G>A on the coding strand, the complement: AHDC1 is on the minus strand). VCF-style: chr1-27548063-C-T. GRCh37 (hg19) VCF-style: chr1-27874574-C-T.
Other names: c.4053G>A, p.Pro1351= (NM_001029882.3); c.9G>A, p.Pro3= (NM_015699.1).
Identifiers: ClinVar variation 2638564 (VCV002638564.24), dbSNP rs769447737, ClinGen allele CA715441.

ClinVar aggregate classification (germline): Likely benign (1 of 4 stars; one submission).

Allele frequency attached by ClinVar (database versions not stated): gnomAD exomes 0.00003; gnomAD 0.00005.
gnomAD v4.1: 47 of 1,613,772 alleles (0.0029%); highest among the groups gnomAD compares: South Asian, 0.0055%; no homozygotes.

Submission:

CeGaT Center for Human Genetics Tuebingen
Classification: Likely benign. Last evaluated: 2023-04-01. Review status: criteria provided, single submitter. Criteria: CeGaT Center For Human Genetics Tuebingen Variant Classification Criteria Version 2. Collection method: clinical testing. Allele origin: germline. Affected: yes. Observed: 1 variant allele.
Comment: AHDC1: BP4, BP7